The following is an entry in ClinVar:

NM_001194998.2(CEP152):c.3445C>T (p.Gln1149Ter)

Gene: CEP152 (centrosomal protein 152; minus strand). Cytogenetic location: 15q21.1.
Variant type: single nucleotide variant.
Coding change: c.3445C>T on transcript NM_001194998.2 (MANE Select); coding-DNA position 3445, C replaced by T.
Protein change: p.Gln1149Ter; replaces glutamine 1149 with a stop codon.
Molecular consequence: nonsense.
Genome position (GRCh38, 1-based): chr15:48,752,370, G>A on the plus strand (C>T on the coding strand, the complement: CEP152 is on the minus strand). VCF-style: chr15-48752370-G-A. GRCh37 (hg19) VCF-style: chr15-49044567-G-A.
Other names: c.3445C>T, p.Gln1149Ter (NM_014985.4); short protein forms Q1149*.
Identifiers: ClinVar variation 5019623 (VCV005019623.2).

ClinVar aggregate classification (germline): Likely pathogenic (1 of 4 stars; one submission).

Conditions:
Seckel syndrome 5 (SCKL5). Identifiers: Orphanet 808, MedGen C3151187, MONDO:0013443, OMIM 613823.
Microcephaly 9, primary, autosomal recessive. Identifiers: Orphanet 2512, MedGen C3553886, MONDO:0013923, OMIM 614852.

Submission:

Juno Genomics, Hangzhou Juno Genomics, Inc
Classification: Likely pathogenic for Microcephaly 9, primary, autosomal recessive; Seckel syndrome 5. Review status: criteria provided, single submitter. Criteria: ACMG Guidelines, 2015. Collection method: clinical testing. Allele origin: germline.
Comment: Absent from controls (or at extremely low frequency if recessive) in Genome Aggregation Database.;Null variant in a gene where loss of function (LOF) is a known mechanism of disease.